The following is an entry in ClinVar:

NM_032043.3(BRIP1):c.700A>C (p.Lys234Gln)

Gene: BRIP1 (BRCA1 interacting DNA helicase 1; minus strand). Cytogenetic location: 17q23.2.
Variant type: single nucleotide variant.
Coding change: c.700A>C on transcript NM_032043.3 (MANE Select); coding-DNA position 700, A replaced by C.
Protein change: p.Lys234Gln; replaces lysine 234 with glutamine.
Molecular consequence: missense variant.
Genome position (GRCh38, 1-based): chr17:61,808,685, T>G on the plus strand (A>C on the coding strand, the complement: BRIP1 is on the minus strand). VCF-style: chr17-61808685-T-G. GRCh37 (hg19) VCF-style: chr17-59886046-T-G.
Other names: short protein forms K234Q.
Identifiers: ClinVar variation 1512875 (VCV001512875.9), dbSNP rs1060501780, ClinGen allele CA400485101.
Genomic context (GRCh38, chr17:61,808,685, plus strand): 5'-TGTGTGTGCGTGTCCCAAAATATATTTTGGGTATCTTGGATTTCCCTGTATGATCCTTCT[T>G]AATGGTATTCGATGACTCTTGACTGTTTCCTTGTTTAGTAGAACAACAGCACCTAGAACA-3'
Protein context (NP_114432.2, residues 224-244): GNSQESSNTI[Lys234Gln]KDHTGKSKIP

ClinVar aggregate classification (germline): Uncertain significance (1 of 4 stars; one submission).

Conditions:
Familial cancer of breast. Also called: hereditary breast carcinoma; Hereditary breast cancer; BREAST CANCER, FAMILIAL. Identifiers: Orphanet 227535, MedGen C0346153, MONDO:0016419, OMIM 114480. Disease mechanism: loss of function.
Fanconi anemia complementation group J. Also called: BRIP1-Related Fanconi Anemia. Identifiers: Orphanet 84, MedGen C1836860, MONDO:0012187, OMIM 609054.

Submission:

Labcorp Genetics (formerly Invitae), Labcorp
Classification: Uncertain significance for Familial cancer of breast; Fanconi anemia complementation group J. Last evaluated: 2021-02-22. Review status: criteria provided, single submitter. Criteria: Invitae Variant Classification Sherloc (09022015). Collection method: clinical testing. Allele origin: germline.
Comment: This sequence change replaces lysine with glutamine at codon 234 of the BRIP1 protein (p.Lys234Gln). The lysine residue is moderately conserved and there is a small physicochemical difference between lysine and glutamine. This variant is not present in population databases (ExAC no frequency). This variant has not been reported in the literature in individuals with BRIP1-related conditions. Algorithms developed to predict the effect of missense changes on protein structure and function are either unavailable or do not agree on the potential impact of this missense change (SIFT: "Tolerated"; PolyPhen-2: "Possibly Damaging"; Align-GVGD: "Class C0"). In summary, the available evidence is currently insufficient to determine the role of this variant in disease. Therefore, it has been classified as a Variant of Uncertain Significance.